The following is an entry in ClinVar:

NM_000186.4(CFH):c.3410A>T (p.Gln1137Leu)

Gene: CFH (complement factor H; plus strand). Cytogenetic location: 1q31.3.
Variant type: single nucleotide variant.
Coding change: c.3410A>T on transcript NM_000186.4 (MANE Select); coding-DNA position 3410, A replaced by T.
Protein change: p.Gln1137Leu; replaces glutamine 1137 with leucine.
Molecular consequence: missense variant.
Genome position (GRCh38, 1-based): chr1:196,745,916, A>T. VCF-style: chr1-196745916-A-T. GRCh37 (hg19) VCF-style: chr1-196715046-A-T.
Other names: short protein forms Q1137L.
Identifiers: ClinVar variation 4291565 (VCV004291565.1).

ClinVar aggregate classification (germline): Uncertain significance (1 of 4 stars; one submission).

Conditions:
Atypical hemolytic-uremic syndrome. Identifiers: Orphanet 2134, MedGen C2931788, MONDO:0016244.

Submission:

Genomenon, Inc
Classification: Uncertain significance for Atypical hemolytic-uremic syndrome. Last evaluated: 2025-10-02. Review status: criteria provided, single submitter. Criteria: Genomenon Sequence Variant Interpretation Standards - Updated. Collection method: curation. Allele origin: germline. Affected: yes.
Comment: CFH p.Gln1137Leu (c.3410A>T) is a missense variant that changes the amino acid at residue 1137 from Glutamine to Leucine. This variant has been observed in at least one proband affected with atypical hemolytic-uremic syndrome (PMID:23431077). Functional studies have been reported (PMID:34189567). It is absent or not present at a significant frequency in gnomAD. In conclusion, we classify CFH p.Gln1137Leu (c.3410A>T) as a variant of uncertain significance.

Literature cited by the submitters: PubMed 23431077; PubMed 34189567.